The following is an entry in ClinVar:

NM_001042492.3(NF1):c.3653A>G (p.Gln1218Arg)

Gene: NF1 (neurofibromin 1; plus strand). Cytogenetic location: 17q11.2.
Variant type: single nucleotide variant.
Coding change: c.3653A>G on transcript NM_001042492.3 (MANE Select); coding-DNA position 3653, A replaced by G.
Protein change: p.Gln1218Arg; replaces glutamine 1218 with arginine.
Molecular consequence: missense variant.
Genome position (GRCh38, 1-based): chr17:31,233,158, A>G. VCF-style: chr17-31233158-A-G. GRCh37 (hg19) VCF-style: chr17-29560176-A-G.
Other names: c.3653A>G, p.Gln1218Arg (NM_000267.4); short protein forms Q1218R.
Identifiers: ClinVar variation 232081 (VCV000232081.14), dbSNP rs876659541, ClinGen allele CA10580289.

ClinVar aggregate classification (germline): Uncertain significance. Review status: criteria provided, multiple submitters, no conflicts (2 of 4 stars). 4 submissions from 3 submitters: Uncertain significance (4). Last evaluated 2024-09-12.

Conditions:
Cardiovascular phenotype. Identifiers: MedGen CN230736.
Hereditary cancer-predisposing syndrome. Also called: Hereditary Cancer Syndrome; Neoplastic Syndromes, Hereditary; Tumor predisposition; Hereditary neoplastic syndrome. Identifiers: Orphanet 140162, MedGen C0027672, MeSH D009386, MONDO:0015356.
Neurofibromatosis, type 1 (NF1). Also called: Neurofibromatosis, type I; VON RECKLINGHAUSEN DISEASE; NEUROFIBROMATOSIS, TYPE I, SOMATIC; Peripheral type neurofibromatosis. Identifiers: Orphanet 636, MedGen C0027831, MONDO:0018975, OMIM 162200. Disease mechanism: loss of function.

Allele frequency attached by ClinVar (database versions not stated): gnomAD exomes below 0.00001.
gnomAD v4.1: 1 of 1,614,194 alleles (0.000062%); highest among the groups gnomAD compares: Non-Finnish European, 0.000085%; no homozygotes.

Submissions (4):

Labcorp Genetics (formerly Invitae), Labcorp
Classification: Uncertain significance for Neurofibromatosis, type 1. Last evaluated: 2024-09-12. Review status: criteria provided, single submitter. Criteria: Invitae Variant Classification Sherloc (09022015). Collection method: clinical testing. Allele origin: germline.
Comment: This sequence change replaces glutamine, which is neutral and polar, with arginine, which is basic and polar, at codon 1218 of the NF1 protein (p.Gln1218Arg). This variant is not present in population databases (gnomAD no frequency). This variant has not been reported in the literature in individuals affected with NF1-related conditions. ClinVar contains an entry for this variant (Variation ID: 232081). Invitae Evidence Modeling of protein sequence and biophysical properties (such as structural, functional, and spatial information, amino acid conservation, physicochemical variation, residue mobility, and thermodynamic stability) has been performed for this missense variant. However, the output from this modeling did not meet the statistical confidence thresholds required to predict the impact of this variant on NF1 protein function. In summary, the available evidence is currently insufficient to determine the role of this variant in disease. Therefore, it has been classified as a Variant of Uncertain Significance.

Genome-Nilou Lab
Classification: Uncertain significance for Neurofibromatosis, type 1. Last evaluated: 2022-03-15. Review status: criteria provided, single submitter. Criteria: ACMG Guidelines, 2015. Collection method: clinical testing. Allele origin: germline. Affected: no.

Ambry Genetics
Classification: Uncertain significance for Cardiovascular phenotype; Hereditary cancer-predisposing syndrome. Last evaluated: 2020-02-12. Review status: criteria provided, single submitter. Criteria: Ambry Variant Classification Scheme 2023. Collection method: clinical testing. Allele origin: germline.

Ambry Genetics
Classification: Uncertain significance for Hereditary cancer-predisposing syndrome. Last evaluated: 2015-06-07. Review status: criteria provided, single submitter. Criteria: Ambry Autosomal Dominant and X-Linked criteria (10/2015). Collection method: clinical testing. Allele origin: germline. Observed: 1 variant allele.
Comment: Thep.Q1218Rvariant (also known as c.3653A>G), located in coding exon 27 of theNF1gene, results from an A to G substitution at nucleotide position 3653. The glutamine at codon 1218 is replaced by arginine, an amino acid with highly similar properties. This variant was not reported in population based cohorts in the following databases: Database of Single Nucleotide Polymorphisms (dbSNP), NHLBI Exome Sequencing Project (ESP), and 1000 Genomes Project. In the ESP, this variant was not observed in 6503 samples (13006 alleles) with coverage at this position. To date, this alteration has been detected with an allele frequency of approximately 0.002% (greater than 55000 alleles tested) in our clinical cohort. This amino acid position is highly conserved in available vertebrate species. In addition, this alteration is predicted to be deleterious by in silico analysis. Since supporting evidence is limited at this time, the clinical significance of p.Q1218R remains unclear.